The following is an entry in ClinVar:

NM_004170.6(SLC1A1):c.1290C>T (p.Ala430=)

Gene: SLC1A1 (solute carrier family 1 member 1; plus strand). Cytogenetic location: 9p24.2.
Variant type: single nucleotide variant.
Coding change: c.1290C>T on transcript NM_004170.6 (MANE Select); coding-DNA position 1290, C replaced by T.
Protein change: p.Ala430=; no amino-acid change (alanine 430 retained).
Molecular consequence: synonymous variant.
Genome position (GRCh38, 1-based): chr9:4,583,134, C>T. VCF-style: chr9-4583134-C-T. GRCh37 (hg19) VCF-style: chr9-4583134-C-T.
Identifiers: ClinVar variation 3038542 (VCV003038542.2), dbSNP rs142648085, ClinGen allele CA4969295.
Genomic context (GRCh38, chr9:4,583,134, plus strand): 5'-CGTGCCCCAGGCTGGCCTGGTGACCATGGTGATTGTGCTGAGTGCCGTGGGCCTGCCCGC[C>T]GAGGATGTCACCCTGATCATTGCTGTCGACTGGCTCCTGTGAGTTGGAATAAATGCACTG-3'
Protein context (NP_004161.4, residues 420-440): VIVLSAVGLP[Ala430=]EDVTLIIAVD

ClinVar aggregate classification (germline): Likely benign (0 of 4 stars; one submission).

Conditions:
SLC1A1-related disorder. Also called: SLC1A1-related condition.

Allele frequency attached by ClinVar (database versions not stated): gnomAD exomes 0.00004; TOPMed 0.00004; gnomAD 0.00006; ESP Exome Variant Server 0.00008; ExAC 0.00009.
gnomAD v4.1: 62 of 1,614,082 alleles (0.0038%); highest among the groups gnomAD compares: East Asian, 0.022%; no homozygotes.

Submission:

PreventionGenetics, part of Exact Sciences
Classification: Likely benign for SLC1A1-related condition. Last evaluated: 2019-05-28. Review status: no assertion criteria provided. Collection method: clinical testing. Allele origin: germline.
Comment: This variant is classified as likely benign based on ACMG/AMP sequence variant interpretation guidelines (Richards et al. 2015 PMID: 25741868, with internal and published modifications).